The following is an entry in ClinVar:

ClinVar aggregate classification (germline): Uncertain significance (1 of 4 stars; one submission).

Submission:

Labcorp Genetics (formerly Invitae), Labcorp
Classification: Uncertain significance. Last evaluated: 2025-06-12. Review status: criteria provided, single submitter. Criteria: Invitae Variant Classification Sherloc (09022015). Collection method: clinical testing. Allele origin: germline.
Comment: This sequence change replaces leucine, which is neutral and non-polar, with phenylalanine, which is neutral and non-polar, at codon 135 of the DLL1 protein (p.Leu135Phe). This variant is not present in population databases (gnomAD no frequency). This variant has not been reported in the literature in individuals affected with DLL1-related conditions. ClinVar contains an entry for this variant (Variation ID: 2717606). An algorithm developed to predict the effect of missense changes on protein structure and function (PolyPhen-2) suggests that this variant is likely to be tolerated. In summary, the available evidence is currently insufficient to determine the role of this variant in disease. Therefore, it has been classified as a Variant of Uncertain Significance.

NM_005618.4(DLL1):c.403C>T (p.Leu135Phe)

Gene: DLL1 (delta like canonical Notch ligand 1; minus strand). Cytogenetic location: 6q27.
Variant type: single nucleotide variant.
Coding change: c.403C>T on transcript NM_005618.4 (MANE Select); coding-DNA position 403, C replaced by T.
Protein change: p.Leu135Phe; replaces leucine 135 with phenylalanine.
Molecular consequence: missense variant.
Genome position (GRCh38, 1-based): chr6:170,288,738, G>A on the plus strand (C>T on the coding strand, the complement: DLL1 is on the minus strand). VCF-style: chr6-170288738-G-A. GRCh37 (hg19) VCF-style: chr6-170597826-G-A.
Other names: short protein forms L135F.
Identifiers: ClinVar variation 2717606 (VCV002717606.3), dbSNP rs2483359586, ClinGen allele CA366509660.